The following is an entry in ClinVar:

NM_000824.5(GLRB):c.436G>A (p.Ala146Thr)

Gene: GLRB (glycine receptor beta; plus strand). Cytogenetic location: 4q32.1.
Variant type: single nucleotide variant.
Coding change: c.436G>A on transcript NM_000824.5 (MANE Select); coding-DNA position 436, G replaced by A.
Protein change: p.Ala146Thr; replaces alanine 146 with threonine.
Molecular consequence: missense variant.
Genome position (GRCh38, 1-based): chr4:157,136,607, G>A. VCF-style: chr4-157136607-G-A. GRCh37 (hg19) VCF-style: chr4-158057759-G-A.
Other names: c.436G>A, p.Ala146Thr (NM_001166060.2, NM_001166061.2); short protein forms A146T.
Identifiers: ClinVar variation 1919028 (VCV001919028.3), dbSNP rs374744833, ClinGen allele CA3119750.

ClinVar aggregate classification (germline): Uncertain significance (1 of 4 stars; one submission).

Conditions:
Hyperekplexia 2 (HKPX2). Identifiers: Orphanet 3197, MedGen C3553291, MONDO:0013828, OMIM 614619.

Allele frequency attached by ClinVar (database versions not stated): gnomAD exomes 0.00001; ExAC 0.00002; gnomAD 0.00002; TOPMed 0.00005; ESP Exome Variant Server 0.00008.
gnomAD v4.1: 11 of 1,612,570 alleles (0.00068%); highest among the groups gnomAD compares: African/African-American, 0.012%; no homozygotes.

Submission:

Labcorp Genetics (formerly Invitae), Labcorp
Classification: Uncertain significance for Hyperekplexia 2. Last evaluated: 2022-08-09. Review status: criteria provided, single submitter. Criteria: Invitae Variant Classification Sherloc (09022015). Collection method: clinical testing. Allele origin: germline.
Comment: In summary, the available evidence is currently insufficient to determine the role of this variant in disease. Therefore, it has been classified as a Variant of Uncertain Significance. Algorithms developed to predict the effect of missense changes on protein structure and function (SIFT, PolyPhen-2, Align-GVGD) all suggest that this variant is likely to be disruptive. This variant has not been reported in the literature in individuals affected with GLRB-related conditions. This variant is present in population databases (rs374744833, gnomAD 0.01%). This sequence change replaces alanine, which is neutral and non-polar, with threonine, which is neutral and polar, at codon 146 of the GLRB protein (p.Ala146Thr).